The following is an entry in ClinVar:

NM_032447.5(FBN3):c.6907G>A (p.Glu2303Lys)

Gene: FBN3 (fibrillin 3; minus strand). Cytogenetic location: 19p13.2.
Variant type: single nucleotide variant.
Coding change: c.6907G>A on transcript NM_032447.5 (MANE Select); coding-DNA position 6907, G replaced by A.
Protein change: p.Glu2303Lys; replaces glutamic acid 2303 with lysine.
Molecular consequence: missense variant.
Genome position (GRCh38, 1-based): chr19:8,085,543, C>T on the plus strand (G>A on the coding strand, the complement: FBN3 is on the minus strand). VCF-style: chr19-8085543-C-T. GRCh37 (hg19) VCF-style: chr19-8150427-C-T.
Other names: c.6907G>A, p.Glu2303Lys (NM_001321431.2); c.6907G>A (NM_032447.3); short protein forms E2303K.
Identifiers: ClinVar variation 1930981 (VCV001930981.6), dbSNP rs376747910, ClinGen allele CA9151054.

ClinVar aggregate classification (germline): Uncertain significance. Review status: criteria provided, multiple submitters, no conflicts (2 of 4 stars). 2 submissions from 2 submitters: Uncertain significance (2). Last evaluated 2025-09-02.

Allele frequency attached by ClinVar (database versions not stated): ESP Exome Variant Server 0.00008; ExAC 0.00021; gnomAD 0.00006.
gnomAD v4.1: 103 of 1,583,440 alleles (0.0065%); highest among the groups gnomAD compares: East Asian, 0.11%; no homozygotes.

Submissions (2):

Labcorp Genetics (formerly Invitae), Labcorp
Classification: Uncertain significance. Last evaluated: 2025-09-02. Review status: criteria provided, single submitter. Criteria: Invitae Variant Classification Sherloc (09022015). Collection method: clinical testing. Allele origin: germline.
Comment: This sequence change replaces glutamic acid, which is acidic and polar, with lysine, which is basic and polar, at codon 2303 of the FBN3 protein (p.Glu2303Lys). This variant is present in population databases (rs376747910, gnomAD 0.06%), and has an allele count higher than expected for a pathogenic variant. This variant has not been reported in the literature in individuals affected with FBN3-related conditions. ClinVar contains an entry for this variant (Variation ID: 1930981). Invitae Evidence Modeling of protein sequence and biophysical properties (such as structural, functional, and spatial information, amino acid conservation, physicochemical variation, residue mobility, and thermodynamic stability) has been performed for this missense variant. However, the output from this modeling did not meet the statistical confidence thresholds required to predict the impact of this variant on FBN3 protein function. In summary, the available evidence is currently insufficient to determine the role of this variant in disease. Therefore, it has been classified as a Variant of Uncertain Significance.

Ambry Genetics
Classification: Uncertain significance. Last evaluated: 2025-03-26. Review status: criteria provided, single submitter. Criteria: Ambry Variant Classification Scheme 2023. Collection method: clinical testing. Allele origin: germline.